The following is an entry in ClinVar:

ClinVar aggregate classification (germline): Uncertain significance. Review status: criteria provided, multiple submitters, no conflicts (2 of 4 stars). 2 submissions from 2 submitters: Uncertain significance (2). Last evaluated 2023-03-08.

Conditions:
Hereditary sensory and autonomic neuropathy with spastic paraplegia (HSNSP). Identifiers: Orphanet 139578, MedGen C1850395, MONDO:0009748, OMIM 256840.

Allele frequency attached by ClinVar (database versions not stated): gnomAD exomes below 0.00001 and 0.00001; TOPMed 0.00001; gnomAD 0.00002.
gnomAD v4.1: 24 of 1,613,554 alleles (0.0015%); highest among the groups gnomAD compares: Non-Finnish European, 0.0019%; no homozygotes.

Submissions (2):

Labcorp Genetics (formerly Invitae), Labcorp
Classification: Uncertain significance for Hereditary sensory and autonomic neuropathy with spastic paraplegia. Last evaluated: 2023-03-08. Review status: criteria provided, single submitter. Criteria: Invitae Variant Classification Sherloc (09022015). Collection method: clinical testing. Allele origin: germline.
Comment: In summary, the available evidence is currently insufficient to determine the role of this variant in disease. Therefore, it has been classified as a Variant of Uncertain Significance. Advanced modeling of protein sequence and biophysical properties (such as structural, functional, and spatial information, amino acid conservation, physicochemical variation, residue mobility, and thermodynamic stability) performed at Invitae indicates that this missense variant is not expected to disrupt CCT5 protein function. ClinVar contains an entry for this variant (Variation ID: 906043). This variant has not been reported in the literature in individuals affected with CCT5-related conditions. This variant is present in population databases (no rsID available, gnomAD 0.0009%). This sequence change replaces methionine, which is neutral and non-polar, with isoleucine, which is neutral and non-polar, at codon 29 of the CCT5 protein (p.Met29Ile).

Illumina Laboratory Services, Illumina
Classification: Uncertain significance for Hereditary sensory and autonomic neuropathy with spastic paraplegia. Last evaluated: 2018-01-13. Review status: criteria provided, single submitter. Criteria: ICSL Variant Classification Criteria 13 December 2019. Collection method: clinical testing. Allele origin: germline.

NM_012073.5(CCT5):c.87G>A (p.Met29Ile)

Gene: CCT5 (chaperonin containing TCP1 subunit 5; plus strand). Cytogenetic location: 5p15.2.
Variant type: single nucleotide variant.
Coding change: c.87G>A on transcript NM_012073.5 (MANE Select); coding-DNA position 87, G replaced by A.
Protein change: p.Met29Ile; replaces methionine 29 with isoleucine.
Molecular consequence: missense variant. On other transcripts: intron variant (1).
Genome position (GRCh38, 1-based): chr5:10,250,427, G>A. VCF-style: chr5-10250427-G-A. GRCh37 (hg19) VCF-style: chr5-10250539-G-A.
Other names: c.87G>A, p.Met29Ile (NM_001306154.2); c.42+382G>A (NM_001306153.1); short protein forms M29I.
Identifiers: ClinVar variation 906043 (VCV000906043.7), dbSNP rs1355138785, ClinGen allele CA359179401.